The following is an entry in ClinVar:

NM_025074.7(FRAS1):c.1286C>G (p.Ser429Cys)

Gene: FRAS1 (Fraser extracellular matrix complex subunit 1; plus strand). Cytogenetic location: 4q21.21.
Variant type: single nucleotide variant.
Coding change: c.1286C>G on transcript NM_025074.7 (MANE Select); coding-DNA position 1286, C replaced by G.
Protein change: p.Ser429Cys; replaces serine 429 with cysteine.
Molecular consequence: missense variant.
Genome position (GRCh38, 1-based): chr4:78,284,435, C>G. VCF-style: chr4-78284435-C-G. GRCh37 (hg19) VCF-style: chr4-79205589-C-G.
Other names: c.1286C>G, p.Ser429Cys (NM_001166133.2); short protein forms S429C.
Identifiers: ClinVar variation 2691604 (VCV002691604.1), dbSNP rs6838959, ClinGen allele CA357366099.

ClinVar aggregate classification (germline): Uncertain significance (1 of 4 stars; one submission).

gnomAD v4.1: 32 of 1,613,730 alleles (0.002%); highest among the groups gnomAD compares: Non-Finnish European, 0.0024%; no homozygotes.

Submission:

Women's Health and Genetics/Laboratory Corporation of America, LabCorp
Classification: Uncertain significance. Last evaluated: 2023-12-11. Review status: criteria provided, single submitter. Criteria: LabCorp Variant Classification Summary - May 2015. Collection method: clinical testing. Allele origin: germline.
Comment: Variant summary: FRAS1 c.1286C>G (p.Ser429Cys) results in a non-conservative amino acid change located in the EGF-like domain (IPR000742) of the encoded protein sequence. Four of five in-silico tools predict a damaging effect of the variant on protein function. The variant was absent in 249216 control chromosomes (gnomAD). The available data on variant occurrences in the general population are insufficient to allow any conclusion about variant significance. To our knowledge, no occurrence of c.1286C>G in individuals affected with Cryptophthalmos Syndrome and no experimental evidence demonstrating its impact on protein function have been reported. No submitters have cited clinical-significance assessments for this variant to ClinVar after 2014. Based on the evidence outlined above, the variant was classified as uncertain significance.